The following is an entry in ClinVar:

NM_001040142.2(SCN2A):c.3225dup (p.Ser1076Ter)

Gene: SCN2A (sodium voltage-gated channel alpha subunit 2; plus strand). Cytogenetic location: 2q24.3.
Variant type: Duplication.
Coding change: c.3225dup on transcript NM_001040142.2 (MANE Select); coding-DNA position 3225, one base duplicated (T; older notation c.3225dupT).
Protein change: p.Ser1076Ter; replaces serine 1076 with a stop codon.
Molecular consequence: nonsense.
Genome position (GRCh38, 1-based): chr2:165,354,497, T duplicated. VCF-style (leftmost placement, unchanged base first): chr2-165354496-C-CT. GRCh37 (hg19) VCF-style: chr2-166211006-C-CT.
Other names: c.3225dup, p.Ser1076Ter (NM_001040143.2, NM_001371246.1, NM_001371247.1 and 1 more transcripts); short protein forms S1076*.
Identifiers: ClinVar variation 3438209 (VCV003438209.1).

ClinVar aggregate classification (germline): Pathogenic (1 of 4 stars; one submission).

Conditions:
Inborn genetic diseases. Identifiers: MedGen C0950123, MeSH D030342.

Submission:

Ambry Genetics
Classification: Pathogenic for Inborn genetic diseases. Last evaluated: 2024-11-13. Review status: criteria provided, single submitter. Criteria: Ambry Variant Classification Scheme 2023. Collection method: clinical testing. Allele origin: germline.
Comment: The c.3225dupT (p.S1076*) alteration, located in exon 17 (coding exon 16) of the SCN2A gene, consists of a duplication of T at position 3225, causing a translational frameshift with a predicted alternate stop codon after amino acids. This alteration is expected to result in loss of function by premature protein truncation or nonsense-mediated mRNA decay. for SCN2A-related neurodevelopmental disorder; however, its clinical significance for SCN2A-related developmental and epileptic encephalopathy and SCN2A-related benign familial infantile seizures is uncertain. This variant was not reported in population-based cohorts in the Genome Aggregation Database (gnomAD). Based on the available evidence, this alteration is classified as pathogenic.